The following is an entry in ClinVar:

NM_001177316.2(SLC34A3):c.933C>A (p.His311Gln)

Gene: SLC34A3 (solute carrier family 34 member 3; plus strand). Cytogenetic location: 9q34.3.
Variant type: single nucleotide variant.
Coding change: c.933C>A on transcript NM_001177316.2 (MANE Select); coding-DNA position 933, C replaced by A.
Protein change: p.His311Gln; replaces histidine 311 with glutamine.
Molecular consequence: missense variant.
Genome position (GRCh38, 1-based): chr9:137,234,116, C>A. VCF-style: chr9-137234116-C-A. GRCh37 (hg19) VCF-style: chr9-140128568-C-A.
Other names: c.933C>A, p.His311Gln (NM_001177317.2, NM_080877.3); short protein forms H311Q.
Identifiers: ClinVar variation 1716170 (VCV001716170.5), dbSNP rs752418182, ClinGen allele CA375735385.
Genomic context (GRCh38, chr9:137,234,116, plus strand): 5'-CACCCCGGCCCACCCCCCAGGCTCCCCCTCACCTGCCCCTGCCCTGCCCCCAGGCCGCCA[C>A]CTGTTTGCGGGCACGGAGCTCACGGACCTGGCCGTGGGCTGCATCCTGCTGGCCGGCTCC-3'
Protein context (NP_001170787.2, residues 301-321): TAPADRLPCR[His311Gln]LFAGTELTDL

ClinVar aggregate classification (germline): Uncertain significance (1 of 4 stars; one submission).

Submission:

Labcorp Genetics (formerly Invitae), Labcorp
Classification: Uncertain significance. Last evaluated: 2023-07-07. Review status: criteria provided, single submitter. Criteria: Invitae Variant Classification Sherloc (09022015). Collection method: clinical testing. Allele origin: germline.
Comment: This variant has not been reported in the literature in individuals affected with SLC34A3-related conditions. ClinVar contains an entry for this variant (Variation ID: 1716170). Advanced modeling of protein sequence and biophysical properties (such as structural, functional, and spatial information, amino acid conservation, physicochemical variation, residue mobility, and thermodynamic stability) performed at Invitae indicates that this missense variant is not expected to disrupt SLC34A3 protein function. In summary, the available evidence is currently insufficient to determine the role of this variant in disease. Therefore, it has been classified as a Variant of Uncertain Significance. This variant is not present in population databases (gnomAD no frequency). This sequence change replaces histidine, which is basic and polar, with glutamine, which is neutral and polar, at codon 311 of the SLC34A3 protein (p.His311Gln).